The following is an entry in ClinVar:

ClinVar aggregate classification (germline): Uncertain significance (1 of 4 stars; one submission).

Allele frequency attached by ClinVar (database versions not stated): gnomAD 0.00001; TOPMed 0.00001; gnomAD exomes 0.00002; ExAC 0.00005.
gnomAD v4.1: 35 of 1,613,998 alleles (0.0022%); highest among the groups gnomAD compares: Non-Finnish European, 0.0028%; no homozygotes.

Submission:

Labcorp Genetics (formerly Invitae), Labcorp
Classification: Uncertain significance. Last evaluated: 2024-11-11. Review status: criteria provided, single submitter. Criteria: Invitae Variant Classification Sherloc (09022015). Collection method: clinical testing. Allele origin: germline.
Comment: This sequence change replaces asparagine, which is neutral and polar, with serine, which is neutral and polar, at codon 511 of the RARS protein (p.Asn511Ser). This variant is present in population databases (rs201034289, gnomAD 0.005%). This variant has not been reported in the literature in individuals affected with RARS-related conditions. ClinVar contains an entry for this variant (Variation ID: 2416202). Invitae Evidence Modeling of protein sequence and biophysical properties (such as structural, functional, and spatial information, amino acid conservation, physicochemical variation, residue mobility, and thermodynamic stability) indicates that this missense variant is not expected to disrupt RARS protein function with a negative predictive value of 80%. In summary, the available evidence is currently insufficient to determine the role of this variant in disease. Therefore, it has been classified as a Variant of Uncertain Significance.

NM_002887.4(RARS1):c.1532A>G (p.Asn511Ser)

Gene: RARS1 (arginyl-tRNA synthetase 1; plus strand). Cytogenetic location: 5q34.
Variant type: single nucleotide variant.
Coding change: c.1532A>G on transcript NM_002887.4 (MANE Select); coding-DNA position 1532, A replaced by G.
Protein change: p.Asn511Ser; replaces asparagine 511 with serine.
Molecular consequence: missense variant.
Genome position (GRCh38, 1-based): chr5:168,516,857, A>G. VCF-style: chr5-168516857-A-G. GRCh37 (hg19) VCF-style: chr5-167943862-A-G.
Other names: short protein forms N511S.
Identifiers: ClinVar variation 2416202 (VCV002416202.6), dbSNP rs201034289, ClinGen allele CA3549953.